The following is an entry in ClinVar:

NM_004525.3(LRP2):c.4729C>T (p.Pro1577Ser)

Gene: LRP2 (LDL receptor related protein 2; minus strand). Cytogenetic location: 2q31.1.
Variant type: single nucleotide variant.
Coding change: c.4729C>T on transcript NM_004525.3 (MANE Select); coding-DNA position 4729, C replaced by T.
Protein change: p.Pro1577Ser; replaces proline 1577 with serine.
Molecular consequence: missense variant.
Genome position (GRCh38, 1-based): chr2:169,236,031, G>A on the plus strand (C>T on the coding strand, the complement: LRP2 is on the minus strand). VCF-style: chr2-169236031-G-A. GRCh37 (hg19) VCF-style: chr2-170092541-G-A.
Other names: short protein forms P1577S.
Identifiers: ClinVar variation 3624727 (VCV003624727.1).

ClinVar aggregate classification (germline): Uncertain significance (1 of 4 stars; one submission).

gnomAD v4.1: 3 of 1,614,086 alleles (0.00019%); no homozygotes.

Submission:

Labcorp Genetics (formerly Invitae), Labcorp
Classification: Uncertain significance. Last evaluated: 2025-01-01. Review status: criteria provided, single submitter. Criteria: Invitae Variant Classification Sherloc (09022015). Collection method: clinical testing. Allele origin: germline.
Comment: This sequence change replaces proline, which is neutral and non-polar, with serine, which is neutral and polar, at codon 1577 of the LRP2 protein (p.Pro1577Ser). This variant is not present in population databases (gnomAD no frequency). This variant has not been reported in the literature in individuals affected with LRP2-related conditions. Invitae Evidence Modeling of protein sequence and biophysical properties (such as structural, functional, and spatial information, amino acid conservation, physicochemical variation, residue mobility, and thermodynamic stability) indicates that this missense variant is not expected to disrupt LRP2 protein function with a negative predictive value of 80%. In summary, the available evidence is currently insufficient to determine the role of this variant in disease. Therefore, it has been classified as a Variant of Uncertain Significance.